The following is an entry in ClinVar:

ClinVar aggregate classification (germline): Uncertain significance (1 of 4 stars; one submission).

Submission:

Ambry Genetics
Classification: Uncertain significance. Last evaluated: 2024-09-06. Review status: criteria provided, single submitter. Criteria: Ambry Variant Classification Scheme 2023. Collection method: clinical testing. Allele origin: germline.
Comment: The p.F1012L variant (also known as c.3036T>G), located in coding exon 17 of the PALLD gene, results from a T to G substitution at nucleotide position 3036. The phenylalanine at codon 1012 is replaced by leucine, an amino acid with highly similar properties. This amino acid position is conserved. In addition, this alteration is predicted to be deleterious by in silico analysis. Based on the available evidence, the clinical significance of this variant remains unclear.

NM_001166108.2(PALLD):c.3087T>G (p.Phe1029Leu)

Genes: CBR4 (carbonyl reductase 4; minus strand), PALLD (palladin, cytoskeletal associated protein; plus strand). Cytogenetic location: 4q32.3.
Variant type: single nucleotide variant.
Coding change: c.3087T>G on transcript NM_001166108.2 (MANE Select); coding-DNA position 3087, T replaced by G.
Protein change: p.Phe1029Leu; replaces phenylalanine 1029 with leucine.
Molecular consequence: missense variant.
Genome position (GRCh38, 1-based): chr4:168,924,283, T>G. VCF-style: chr4-168924283-T-G. GRCh37 (hg19) VCF-style: chr4-169845434-T-G.
Other names: c.1890T>G, p.Phe630Leu (NM_001166109.2); c.1575T>G, p.Phe525Leu (NM_001166110.2); c.915T>G, p.Phe305Leu (NM_001367567.1, NM_001367569.1); c.966T>G, p.Phe322Leu (NM_001367568.1, NM_001367570.1); c.3036T>G, p.Phe1012Leu (NM_016081.4); short protein forms F305L, F1012L, F322L, F630L, F1029L, F525L.
Identifiers: ClinVar variation 3413616 (VCV003413616.1).